The following is an entry in ClinVar:

NM_000038.6(APC):c.6205G>C (p.Gly2069Arg)

Gene: APC (APC regulator of Wnt signaling pathway; plus strand). Cytogenetic location: 5q22.2.
Variant type: single nucleotide variant.
Coding change: c.6205G>C on transcript NM_000038.6 (MANE Select); coding-DNA position 6205, G replaced by C.
Protein change: p.Gly2069Arg; replaces glycine 2069 with arginine.
Molecular consequence: missense variant.
Genome position (GRCh38, 1-based): chr5:112,841,799, G>C. VCF-style: chr5-112841799-G-C. GRCh37 (hg19) VCF-style: chr5-112177496-G-C.
Other names: c.6205G>C, p.Gly2069Arg (NM_001127510.3, NM_001354895.2); c.6151G>C, p.Gly2051Arg (NM_001127511.3); c.6259G>C, p.Gly2087Arg (NM_001354896.2); c.6235G>C, p.Gly2079Arg (NM_001354897.2); c.6130G>C, p.Gly2044Arg (NM_001354898.2); c.6121G>C, p.Gly2041Arg (NM_001354899.2); c.6082G>C, p.Gly2028Arg (NM_001354900.2); c.6028G>C, p.Gly2010Arg (NM_001354901.2); and 5 more; short protein forms G1786R, G1909R, G1943R, G1968R, G1978R, G2010R, G2028R, G2041R.
Identifiers: ClinVar variation 1061378 (VCV001061378.12), dbSNP rs2149959620, ClinGen allele CA16034925.
Genomic context (GRCh38, chr5:112,841,799, plus strand): 5'-AAAAAGAAAAAGCCTTCAAGACTCAAGGGTGATAATGAAAAACATAGTCCCAGAAATATG[G>C]GTGGCATATTAGGTGAAGATCTGACACTTGATTTGAAAGATATACAGAGACCAGATTCAG-3'
Protein context (NP_000029.2, residues 2059-2079): DNEKHSPRNM[Gly2069Arg]GILGEDLTLD

ClinVar aggregate classification (germline): Uncertain significance. Review status: criteria provided, multiple submitters, no conflicts (2 of 4 stars). 2 submissions from 2 submitters: Uncertain significance (2). Last evaluated 2025-12-19.

Conditions:
Hereditary cancer-predisposing syndrome. Also called: Neoplastic Syndromes, Hereditary; Hereditary Cancer Syndrome; Hereditary neoplastic syndrome; Tumor predisposition. Identifiers: Orphanet 140162, MedGen C0027672, MeSH D009386, MONDO:0015356.
Familial adenomatous polyposis 1 (FAP1). Also called: FAMILIAL ADENOMATOUS POLYPOSIS 1, ATTENUATED; POLYPOSIS, ADENOMATOUS INTESTINAL. Identifiers: MedGen C2713442, MONDO:0021056, OMIM 175100. Disease mechanism: loss of function.

gnomAD v4.1: 1 of 1,613,988 alleles (0.000062%); highest among the groups gnomAD compares: Non-Finnish European, 0.000085%; no homozygotes.

Submissions (2):

Labcorp Genetics (formerly Invitae), Labcorp
Classification: Uncertain significance for Familial adenomatous polyposis 1. Last evaluated: 2025-12-19. Review status: criteria provided, single submitter. Criteria: Invitae Variant Classification Sherloc (09022015). Collection method: clinical testing. Allele origin: germline.
Comment: This sequence change replaces glycine, which is neutral and non-polar, with arginine, which is basic and polar, at codon 2069 of the APC protein (p.Gly2069Arg). This variant is not present in population databases (gnomAD no frequency). This variant has not been reported in the literature in individuals affected with APC-related conditions. ClinVar contains an entry for this variant (Variation ID: 1061378). Invitae Evidence Modeling of protein sequence and biophysical properties (such as structural, functional, and spatial information, amino acid conservation, physicochemical variation, residue mobility, and thermodynamic stability) indicates that this missense variant is not expected to disrupt APC protein function with a negative predictive value of 95%. In summary, the available evidence is currently insufficient to determine the role of this variant in disease. Therefore, it has been classified as a Variant of Uncertain Significance.

Ambry Genetics
Classification: Uncertain significance for Hereditary cancer-predisposing syndrome. Last evaluated: 2021-11-10. Review status: criteria provided, single submitter. Criteria: Ambry Variant Classification Scheme 2023. Collection method: clinical testing. Allele origin: germline.
Comment: The p.G2069R variant (also known as c.6205G>C), located in coding exon 15 of the APC gene, results from a G to C substitution at nucleotide position 6205. The glycine at codon 2069 is replaced by arginine, an amino acid with dissimilar properties. This amino acid position is not well conserved in available vertebrate species. In addition, in silico predictors for this gene do not accurately predict pathogenicity. Since supporting evidence is limited at this time, the clinical significance of this alteration remains unclear.